The following is an entry in ClinVar:

NM_003172.4(SURF1):c.211G>C (p.Val71Leu)

Gene: SURF1 (SURF1 cytochrome c oxidase assembly factor; minus strand). Cytogenetic location: 9q34.2.
Variant type: single nucleotide variant.
Coding change: c.211G>C on transcript NM_003172.4 (MANE Select); coding-DNA position 211, G replaced by C.
Protein change: p.Val71Leu; replaces valine 71 with leucine.
Molecular consequence: missense variant. On other transcripts: 5 prime UTR variant (1).
Genome position (GRCh38, 1-based): chr9:133,354,853, C>G on the plus strand (G>C on the coding strand, the complement: SURF1 is on the minus strand). VCF-style: chr9-133354853-C-G. GRCh37 (hg19) VCF-style: chr9-136221708-C-G.
Other names: p.Val71Leu; c.211G>C (NM_003172.2); c.-117G>C (NM_001280787.1); short protein forms V71L.
Identifiers: ClinVar variation 365530 (VCV000365530.30), dbSNP rs147993882, ClinGen allele CA10629377.

ClinVar aggregate classification (germline): Conflicting classifications of pathogenicity. Review status: criteria provided, conflicting classifications (1 of 4 stars). 7 submissions from 7 submitters: Uncertain significance (3); Likely benign (3). 1 of the submissions does not count toward it. Last evaluated 2026-04-14.

Conditions:
Inborn genetic diseases. Identifiers: MedGen C0950123, MeSH D030342.
Leigh syndrome (NULS). Also called: Leigh's syndrome; Leigh Disease; Subacute necrotizing encephalopathy; Necrotizing encephalopathy infantile subacute of Leigh; Leigh's necrotizing encephalopathy; Leigh's disease. Identifiers: Orphanet 506, MedGen C2931891, MONDO:0009723, OMIM 256000.

Allele frequency attached by ClinVar (database versions not stated): ESP Exome Variant Server 0.00092; gnomAD 0.00099; TOPMed 0.00108; 1000 Genomes Project 0.00140; 1000 Genomes Project 30x 0.00141.

Submissions (7):

Women's Health and Genetics/Laboratory Corporation of America, LabCorp
Classification: Likely benign. Last evaluated: 2026-04-14. Review status: criteria provided, single submitter. Criteria: LabCorp Variant Classification Summary - May 2015. Collection method: clinical testing. Allele origin: germline.
Comment: Variant summary: SURF1 c.211G>C (p.Val71Leu) results in a conservative amino acid change in the encoded protein sequence. Algorithms developed to predict the effect of missense changes on protein structure and function are either unavailable or do not agree on the potential impact of this missense change. The variant allele was found at a frequency of 0.00033 in 251362 control chromosomes, predominantly at a frequency of 0.0038 within the African or African-American subpopulation in the gnomAD database. The observed variant frequency within African or African-American control individuals in the gnomAD database exceeds the estimated maximal expected allele frequency for disease-causing variants in SURF1, providing supporting evidence for a benign role. To our knowledge, no occurrence of c.211G>C in individuals affected with SURF1-related conditions and no experimental evidence demonstrating its impact on protein function have been reported. ClinVar contains an entry for this variant (Variation ID: 365530). Based on the evidence outlined above, the variant was classified as likely benign.

Labcorp Genetics (formerly Invitae), Labcorp
Classification: Likely benign for Leigh syndrome. Last evaluated: 2026-01-25. Review status: criteria provided, single submitter. Criteria: Invitae Variant Classification Sherloc (09022015). Collection method: clinical testing. Allele origin: germline.

Ambry Genetics
Classification: Likely benign for Inborn genetic diseases. Last evaluated: 2023-03-07. Review status: criteria provided, single submitter. Criteria: Ambry Variant Classification Scheme 2023. Collection method: clinical testing. Allele origin: germline.

Mayo Clinic Laboratories, Mayo Clinic
Classification: Uncertain significance. Last evaluated: 2021-08-12. Review status: criteria provided, single submitter. Criteria: ACMG Guidelines, 2015. Collection method: clinical testing. Allele origin: germline.

Illumina Laboratory Services, Illumina
Classification: Uncertain significance for Leigh syndrome. Last evaluated: 2018-01-13. Review status: criteria provided, single submitter. Criteria: ICSL Variant Classification Criteria 13 December 2019. Collection method: clinical testing. Allele origin: germline.

ARUP Laboratories, Molecular Genetics and Genomics, ARUP Laboratories
Classification: Uncertain significance. Last evaluated: 2017-05-05. Review status: criteria provided, single submitter. Criteria: ARUP Molecular Germline Variant Investigation Process. Collection method: clinical testing. Allele origin: germline.

Department of Pathology and Laboratory Medicine, Sinai Health System
Classification: Likely benign. Review status: no assertion criteria provided. Collection method: clinical testing. Allele origin: unknown. Affected: yes. Study: The Canadian Open Genetics Repository (COGR). Not counted in ClinVar's aggregate classification.
Comment: The SURF1 p.Val71Leu variant was not identified in the literature but was identified in dbSNP (ID: rs147993882), LOVD 3.0 and ClinVar (classified as uncertain significance by Illumina and ARUP laboratoies and as likely benign by Invitae). The variant was identified in control databases in 114 of 282760 chromosomes at a frequency of 0.0004032 increasing the likelihood this could be a low frequency benign variant (Genome Aggregation Database March 6, 2019, v2.1.1). The variant was observed in the following populations: African in 93 of 24964 chromosomes (freq: 0.003725), Latino in 15 of 35440 chromosomes (freq: 0.000423), Other in 1 of 7220 chromosomes (freq: 0.000139) and European (non-Finnish) in 5 of 129084 chromosomes (freq: 0.000039), but was not observed in the Ashkenazi Jewish, East Asian, European (Finnish), or South Asian populations. The p.Val71 residue is not conserved in mammals and four out of five computational analyses (PolyPhen-2, SIFT, AlignGVGD, BLOSUM, MutationTaster) do not suggest a high likelihood of impact to the protein; however, this information is not predictive enough to rule out pathogenicity. The variant occurs outside of the splicing consensus sequence and in silico or computational prediction software programs (SpliceSiteFinder, MaxEntScan, NNSPLICE, GeneSplicer) do not predict a difference in splicing. In summary, based on the above information the clinical significance of this variant cannot be determined with certainty at this time although we would lean towards a more benign role for this variant. This variant is classified as likely benign.